The following is an entry in ClinVar:

ClinVar aggregate classification (germline): Benign. Review status: criteria provided, multiple submitters, no conflicts (2 of 4 stars). 5 submissions from 5 submitters: Benign (5). Last evaluated 2026-02-04.

Conditions:
Hyperlipidemia due to hepatic triglyceride lipase deficiency. Also called: LIPC DEFICIENCY. Identifiers: Orphanet 140905, MedGen C3151466, MONDO:0013533, OMIM 614025.

Allele frequency attached by ClinVar (database versions not stated): ESP Exome Variant Server 0.08405; gnomAD 0.10413; TOPMed 0.11204; ExAC 0.12288; 1000 Genomes Project 30x 0.16349; 1000 Genomes Project 0.16893.
gnomAD v4.1: 158,113 of 1,613,402 alleles (9.8%); highest among the groups gnomAD compares: East Asian, 44%; 11,312 homozygotes.

Submissions (5):

Labcorp Genetics (formerly Invitae), Labcorp
Classification: Benign. Last evaluated: 2026-02-04. Review status: criteria provided, single submitter. Criteria: Invitae Variant Classification Sherloc (09022015). Collection method: clinical testing. Allele origin: germline.

Mayo Clinic Laboratories, Mayo Clinic
Classification: Benign. Last evaluated: 2024-11-20. Review status: criteria provided, single submitter. Criteria: ACMG Guidelines, 2015. Collection method: clinical testing. Allele origin: germline. Observed: 26 variant alleles.
Comment: BA1, BP4, BP7

GeneDx
Classification: Benign. Last evaluated: 2018-08-30. Review status: criteria provided, single submitter. Criteria: GeneDx Variant Classification Process June 2021. Collection method: clinical testing. Allele origin: germline. Affected: yes.

Illumina Laboratory Services, Illumina
Classification: Benign for Hyperlipidemia due to hepatic triglyceride lipase deficiency. Last evaluated: 2018-01-13. Review status: criteria provided, single submitter. Criteria: ICSL Variant Classification Criteria 13 December 2019. Collection method: clinical testing. Allele origin: germline.
Comment: This variant was observed in the ICSL laboratory as part of a predisposition screen in an ostensibly healthy population. It had not been previously curated by ICSL or reported in the Human Gene Mutation Database (HGMD: prior to June 1st, 2018), and was therefore a candidate for classification through an automated scoring system. Utilizing variant allele frequency, disease prevalence and penetrance estimates, and inheritance mode, an automated score was calculated to assess if this variant is too frequent to cause the disease. Based on the score and internal cut-off values, a variant classified as benign is not then subjected to further curation. The score for this variant resulted in a classification of benign for this disease.

Breakthrough Genomics
Classification: Benign. Review status: criteria provided, single submitter. Criteria: ACMG Guidelines, 2015. Collection method: not provided. Allele origin: germline. Inheritance: Autosomal recessive inheritance. Affected: yes.

Literature cited by the submitters: PubMed 36325899 (cited by Mayo Clinic Laboratories, Mayo Clinic).

NM_000236.3(LIPC):c.591A>G (p.Gly197=)

Gene: LIPC (lipase C, hepatic type; plus strand). Cytogenetic location: 15q21.3.
Variant type: single nucleotide variant.
Coding change: c.591A>G on transcript NM_000236.3 (MANE Select); coding-DNA position 591, A replaced by G.
Protein change: p.Gly197=; no amino-acid change (glycine 197 retained).
Molecular consequence: synonymous variant.
Genome position (GRCh38, 1-based): chr15:58,545,758, A>G. VCF-style: chr15-58545758-A-G. GRCh37 (hg19) VCF-style: chr15-58837957-A-G.
Other names: p.Gly197=.
Identifiers: ClinVar variation 316664 (VCV000316664.17), dbSNP rs6082, ClinGen allele CA7584938.